The following is an entry in ClinVar:

ClinVar aggregate classification (germline): Uncertain significance (1 of 4 stars; one submission).

Conditions:
Cornelia de Lange syndrome 1 (CDLS1). Also called: NIPBL-Related Cornelia de Lange Syndrome; Brachmann de Lange syndrome; TYPUS DEGENERATIVUS AMSTELODAMENSIS. Identifiers: Orphanet 199, MedGen C4551851, MONDO:0007387, OMIM 122470.

gnomAD v4.1: 1 of 1,614,118 alleles (0.000062%); highest among the groups gnomAD compares: South Asian, 0.0011%; no homozygotes.

Submission:

Labcorp Genetics (formerly Invitae), Labcorp
Classification: Uncertain significance for Cornelia de Lange syndrome 1. Last evaluated: 2023-07-07. Review status: criteria provided, single submitter. Criteria: Invitae Variant Classification Sherloc (09022015). Collection method: clinical testing. Allele origin: germline.
Comment: This sequence change replaces threonine, which is neutral and polar, with serine, which is neutral and polar, at codon 196 of the NIPBL protein (p.Thr196Ser). This variant is not present in population databases (gnomAD no frequency). This variant has not been reported in the literature in individuals affected with NIPBL-related conditions. Advanced modeling of protein sequence and biophysical properties (such as structural, functional, and spatial information, amino acid conservation, physicochemical variation, residue mobility, and thermodynamic stability) performed at Invitae indicates that this missense variant is not expected to disrupt NIPBL protein function. In summary, the available evidence is currently insufficient to determine the role of this variant in disease. Therefore, it has been classified as a Variant of Uncertain Significance.

NM_133433.4(NIPBL):c.586A>T (p.Thr196Ser)

Gene: NIPBL (NIPBL cohesin loading factor; plus strand). Cytogenetic location: 5p13.2.
Variant type: single nucleotide variant.
Coding change: c.586A>T on transcript NM_133433.4 (MANE Select); coding-DNA position 586, A replaced by T.
Protein change: p.Thr196Ser; replaces threonine 196 with serine.
Molecular consequence: missense variant.
Genome position (GRCh38, 1-based): chr5:36,962,250, A>T. VCF-style: chr5-36962250-A-T. GRCh37 (hg19) VCF-style: chr5-36962352-A-T.
Other names: c.586A>T, p.Thr196Ser (NM_015384.5); short protein forms T196S.
Identifiers: ClinVar variation 2975973 (VCV002975973.3), dbSNP rs747476219, ClinGen allele CA359476775.